The following is an entry in ClinVar:

ClinVar aggregate classification (germline): Likely benign. Review status: criteria provided, single submitter (1 of 4 stars). 2 submissions from 2 submitters: Likely benign (1). 1 of the submissions does not count toward it. Last evaluated 2023-11-27.

Conditions:
DZIP1L-related disorder. Also called: DZIP1L-related condition.

Allele frequency attached by ClinVar (database versions not stated): ExAC 0.00001; gnomAD 0.00001; gnomAD exomes 0.00001; TOPMed 0.00002.
gnomAD v4.1: 13 of 1,539,662 alleles (0.00084%); highest among the groups gnomAD compares: East Asian, 0.0098%; no homozygotes.

Submissions (2):

Labcorp Genetics (formerly Invitae), Labcorp
Classification: Likely benign. Last evaluated: 2023-11-27. Review status: criteria provided, single submitter. Criteria: Invitae Variant Classification Sherloc (09022015). Collection method: clinical testing. Allele origin: germline.

PreventionGenetics, part of Exact Sciences
Classification: Likely benign for DZIP1L-related condition. Last evaluated: 2023-12-12. Review status: no assertion criteria provided. Collection method: clinical testing. Allele origin: germline. Not counted in ClinVar's aggregate classification.
Comment: This variant is classified as likely benign based on ACMG/AMP sequence variant interpretation guidelines (Richards et al. 2015 PMID: 25741868, with internal and published modifications).

NM_173543.3(DZIP1L):c.1833-8C>T

Gene: DZIP1L (DAZ interacting zinc finger protein 1 like; minus strand). Cytogenetic location: 3q22.3.
Variant type: single nucleotide variant.
Coding change: c.1833-8C>T on transcript NM_173543.3 (MANE Select); 8 bases into the intron before coding-DNA position 1833, C replaced by T.
Molecular consequence: intron variant.
Genome position (GRCh38, 1-based): chr3:138,067,708, G>A on the plus strand (C>T on the coding strand, the complement: DZIP1L is on the minus strand). VCF-style: chr3-138067708-G-A. GRCh37 (hg19) VCF-style: chr3-137786550-G-A.
Other names: c.1833-8C>T (NM_173543.2).
Identifiers: ClinVar variation 2176458 (VCV002176458.6), dbSNP rs747074636, ClinGen allele CA2634763.